The following is an entry in ClinVar:

NM_000257.4(MYH7):c.5672C>G (p.Thr1891Ser)

Gene: MYH7 (myosin heavy chain 7; minus strand). Cytogenetic location: 14q11.2.
Variant type: single nucleotide variant.
Coding change: c.5672C>G on transcript NM_000257.4 (MANE Select); coding-DNA position 5672, C replaced by G.
Protein change: p.Thr1891Ser; replaces threonine 1891 with serine.
Molecular consequence: missense variant.
Genome position (GRCh38, 1-based): chr14:23,413,877, G>C on the plus strand (C>G on the coding strand, the complement: MYH7 is on the minus strand). VCF-style: chr14-23413877-G-C. GRCh37 (hg19) VCF-style: chr14-23883086-G-C.
Other names: c.5672C>G, p.Thr1891Ser (NM_001407004.1); short protein forms T1891S.
Identifiers: ClinVar variation 2175452 (VCV002175452.4), dbSNP rs2138635423, ClinGen allele CA389034719.
Genomic context (GRCh38, chr14:23,413,877, plus strand): 5'-TCCGCCCGCTCCTCTGCCTCATCCAGCTCGTGCTGCACCTTGCGGAACTTGGACAGGTTG[G>C]TGTTGGCTTGCTCCTCCTGCGGGAGGTGGGAGCATGAGGTGAGAGGGGGCCTGGGTTCTC-3'
Protein context (NP_000248.2, residues 1881-1901): QAEEAEEQAN[Thr1891Ser]NLSKFRKVQH

ClinVar aggregate classification (germline): Uncertain significance (1 of 4 stars; one submission).

Conditions:
Hypertrophic cardiomyopathy. Also called: HYPERTROPHIC MYOCARDIOPATHY. Identifiers: Orphanet 217569, MedGen C0007194, MeSH D002312, MONDO:0005045, HP:0001639.

Submission:

Labcorp Genetics (formerly Invitae), Labcorp
Classification: Uncertain significance for Hypertrophic cardiomyopathy. Last evaluated: 2022-05-01. Review status: criteria provided, single submitter. Criteria: Invitae Variant Classification Sherloc (09022015). Collection method: clinical testing. Allele origin: germline.
Comment: In summary, the available evidence is currently insufficient to determine the role of this variant in disease. Therefore, it has been classified as a Variant of Uncertain Significance. Algorithms developed to predict the effect of missense changes on protein structure and function (SIFT, PolyPhen-2, Align-GVGD) all suggest that this variant is likely to be tolerated. This variant has not been reported in the literature in individuals affected with MYH7-related conditions. This variant is not present in population databases (gnomAD no frequency). This sequence change replaces threonine, which is neutral and polar, with serine, which is neutral and polar, at codon 1891 of the MYH7 protein (p.Thr1891Ser).